The following is an entry in ClinVar:

ClinVar aggregate classification (germline): Uncertain significance. Review status: criteria provided, multiple submitters, no conflicts (2 of 4 stars). 2 submissions from 2 submitters: Uncertain significance (2). Last evaluated 2026-03-27.

Conditions:
Cardiovascular phenotype. Identifiers: MedGen CN230736.
Ehlers-Danlos syndrome, classic type, 1 (EDSCL1). Also called: EHLERS-DANLOS SYNDROME, GRAVIS TYPE; EHLERS-DANLOS SYNDROME, SEVERE CLASSIC TYPE; Ehlers-Danlos syndrome, type 1; Ehlers-Danlos Syndrome, Classic Type, COL5A1-Related; EDS I. Identifiers: MedGen C0268335, MONDO:0019567, OMIM 130000.

gnomAD v4.1: 2 of 1,614,026 alleles (0.00012%); highest among the groups gnomAD compares: Non-Finnish European, 0.00017%; no homozygotes.

Submissions (2):

Molecular Diagnostic Laboratory for Inherited Cardiovascular Disease, Montreal Heart Institute
Classification: Uncertain significance for Cardiovascular phenotype. Last evaluated: 2026-03-27. Review status: criteria provided, single submitter. Criteria: ACMG Guidelines, 2015. Collection method: clinical testing. Allele origin: germline. Affected: yes.
Comment: PM2, PP3

Labcorp Genetics (formerly Invitae), Labcorp
Classification: Uncertain significance for Ehlers-Danlos syndrome, classic type, 1. Last evaluated: 2023-10-10. Review status: criteria provided, single submitter. Criteria: Invitae Variant Classification Sherloc (09022015). Collection method: clinical testing. Allele origin: germline.
Comment: This sequence change replaces cysteine, which is neutral and slightly polar, with serine, which is neutral and polar, at codon 244 of the COL5A1 protein (p.Cys244Ser). This variant is not present in population databases (gnomAD no frequency). This missense change has been observed in individual(s) with clinical features of Ehlers-Danlos syndrome (Invitae). Advanced modeling of protein sequence and biophysical properties (such as structural, functional, and spatial information, amino acid conservation, physicochemical variation, residue mobility, and thermodynamic stability) performed at Invitae indicates that this missense variant is not expected to disrupt COL5A1 protein function. In summary, the available evidence is currently insufficient to determine the role of this variant in disease. Therefore, it has been classified as a Variant of Uncertain Significance.

NM_000093.5(COL5A1):c.731G>C (p.Cys244Ser)

Gene: COL5A1 (collagen type V alpha 1 chain; plus strand). Cytogenetic location: 9q34.3.
Variant type: single nucleotide variant.
Coding change: c.731G>C on transcript NM_000093.5 (MANE Select); coding-DNA position 731, G replaced by C.
Protein change: p.Cys244Ser; replaces cysteine 244 with serine.
Molecular consequence: missense variant.
Genome position (GRCh38, 1-based): chr9:134,727,342, G>C. VCF-style: chr9-134727342-G-C. GRCh37 (hg19) VCF-style: chr9-137619188-G-C.
Other names: c.731G>C, p.Cys244Ser (NM_001278074.1); short protein forms C244S.
Identifiers: ClinVar variation 2821861 (VCV002821861.4), dbSNP rs777671838, ClinGen allele CA375446374.